The following is an entry in ClinVar:

ClinVar aggregate classification (germline): Likely pathogenic (1 of 4 stars; one submission).

Conditions:
Intellectual developmental disorder with or without epilepsy or cerebellar ataxia. Identifiers: MedGen C4748041, MONDO:0060745, OMIM 618060.

Submission:

Variantyx, Inc.
Classification: Likely pathogenic for Intellectual developmental disorder with or without epilepsy or cerebellar ataxia. Last evaluated: 2025-04-23. Review status: criteria provided, single submitter. Criteria: Variantyx Assertion Criteria 2022. Collection method: clinical testing. Allele origin: de novo. Inheritance: Autosomal dominant inheritance. Affected: yes.
Comment: This is a nonsense variant in the RORA gene (OMIM: 600825). Pathogenic variants in this gene have been associated with autosomal dominant intellectual developmental disorder with or without epilepsy or cerebellar ataxia. This variant introduces a premature termination codon in exon 5 out of 11 and is expected to result in loss of function, which is a known disease mechanism for RORA in this disorder (PMID: 31164858, 28708303, 29656859) (PVS1). It is absent from control populations (PM2). Based on the current evidence, this variant is classified as likely pathogenic for autosomal dominant intellectual developmental disorder with or without epilepsy or cerebellar ataxia.

Literature cited by the submitters: PubMed 31164858; PubMed 28708303; PubMed 29656859.

NM_134261.3(RORA):c.430A>T (p.Lys144Ter)

Genes: RORA (RAR related orphan receptor A; minus strand), RORA-AS1 (RORA antisense RNA 1; plus strand). Cytogenetic location: 15q22.2.
Variant type: single nucleotide variant.
Coding change: c.430A>T on transcript NM_134261.3 (MANE Select); coding-DNA position 430, A replaced by T.
Protein change: p.Lys144Ter; replaces lysine 144 with a stop codon.
Molecular consequence: nonsense.
Genome position (GRCh38, 1-based): chr15:60,511,616, T>A on the plus strand (A>T on the coding strand, the complement: RORA is on the minus strand). VCF-style: chr15-60511616-T-A. GRCh37 (hg19) VCF-style: chr15-60803815-T-A.
Other names: c.505A>T, p.Lys169Ter (NM_002943.4); c.529A>T, p.Lys177Ter (NM_134260.3); c.265A>T, p.Lys89Ter (NM_134262.3); short protein forms K144*, K169*, K177*, K89*.
Identifiers: ClinVar variation 4850002 (VCV004850002.1).